The following is an entry in ClinVar:

NM_001008537.3(NEXMIF):c.3148A>G (p.Thr1050Ala)

Gene: NEXMIF (neurite extension and migration factor; minus strand). Cytogenetic location: Xq13.3.
Variant type: single nucleotide variant.
Coding change: c.3148A>G on transcript NM_001008537.3 (MANE Select); coding-DNA position 3148, A replaced by G.
Protein change: p.Thr1050Ala; replaces threonine 1050 with alanine.
Molecular consequence: missense variant.
Genome position (GRCh38, 1-based): chrX:74,741,409, T>C on the plus strand (A>G on the coding strand, the complement: NEXMIF is on the minus strand). VCF-style: chrX-74741409-T-C. GRCh37 (hg19) VCF-style: chrX-73961244-T-C.
Other names: short protein forms T1050A.
Identifiers: ClinVar variation 4531352 (VCV004531352.1).

ClinVar aggregate classification (germline): Uncertain significance (1 of 4 stars; one submission).

Conditions:
X-linked intellectual disability, Cantagrel type (XLID98). Also called: INTELLECTUAL DEVELOPMENTAL DISORDER, X-LINKED 98. Identifiers: Orphanet 85277, MedGen C3806730, MONDO:0010483, OMIM 300912.

Submission:

Victorian Clinical Genetics Services, Murdoch Childrens Research Institute
Classification: Uncertain significance for X-linked intellectual disability, Cantagrel type. Last evaluated: 2025-07-09. Review status: criteria provided, single submitter. Criteria: ACMG Guidelines, 2015. Collection method: clinical testing. Allele origin: germline. Affected: yes.
Comment: This variant is classified as VUS-3C. Evidence in support of pathogenic classification: Variant is absent from gnomAD (v2, v3 and v4). Evidence in support of benign classification: Missense variant predicted to be tolerated by in silico tool(s) or not conserved in placental mammals with a minor amino acid change. Additional information: Variant is predicted to result in a missense amino acid change from threonine to alanine; This variant is hemizygous; This gene is associated with X-linked disease. Males have been found to be more severely affected and females tend to have a broader phenotypic spectrum, which is likely due to random X-chromosome inactivation (PMIDs: 27358180, 33144681); Alternative amino acid change(s) at the same position are present in gnomAD (Highest allele count: v4: 4 heterozygote(s), 0 homozygote(s), 0 hemizygote(s)); This variant has no previous evidence of pathogenicity; No published segregation evidence has been identified for this variant; No published functional evidence has been identified for this variant; No comparable missense variants have previous evidence for pathogenicity; Variant is not located in an established domain, motif, hotspot or informative constraint region; Loss of function is a known mechanism of disease in this gene and is associated with intellectual developmental disorder, X-linked 98 (MIM#300912).

Literature cited by the submitters: PubMed 27358180; PubMed 33144681.